The following is an entry in ClinVar:

NM_153460.4(IL17RC):c.105+28G>A

Gene: IL17RC (interleukin 17 receptor C; plus strand). Cytogenetic location: 3p25.3.
Variant type: single nucleotide variant.
Coding change: c.105+28G>A on transcript NM_153460.4 (MANE Select); 28 bases into the intron after coding-DNA position 105, G replaced by A.
Molecular consequence: intron variant. On other transcripts: missense variant (1).
Genome position (GRCh38, 1-based): chr3:9,917,448, G>A. VCF-style: chr3-9917448-G-A. GRCh37 (hg19) VCF-style: chr3-9959132-G-A.
Other names: c.133G>A, p.Glu45Lys (NM_153461.4); c.105+28G>A (NM_001203263.2, NM_001203264.2, NM_001367278.1 and 5 more transcripts); short protein forms E45K.
Identifiers: ClinVar variation 3610622 (VCV003610622.2).
Genomic context (GRCh38, chr3:9,917,448, plus strand): 5'-GTGGGGCCTCAGGACGCTACCCACTGCTCTCCGGTGAGTCTGGAACCCTGGGGAGACGAG[G>A]AAAGGCTCAGGGTTCAGTTTTTGGCTCAGCAAAGCCTTAGCCTGGCTCCTGTCACTGCTG-3'

ClinVar aggregate classification (germline): Uncertain significance (1 of 4 stars; one submission).

Conditions:
Candidiasis, familial, 9 (CANDF9). Identifiers: Orphanet 1334, MedGen C4225324, MONDO:0014642, OMIM 616445.

Submission:

Labcorp Genetics (formerly Invitae), Labcorp
Classification: Uncertain significance for Candidiasis, familial, 9. Last evaluated: 2025-02-04. Review status: criteria provided, single submitter. Criteria: Invitae Variant Classification Sherloc (09022015). Collection method: clinical testing. Allele origin: germline.
Comment: This sequence change replaces glutamic acid, which is acidic and polar, with lysine, which is basic and polar, at codon 45 of the IL17RC protein (p.Glu45Lys). This variant is present in population databases (no rsID available, gnomAD 0.002%). This variant has not been reported in the literature in individuals affected with IL17RC-related conditions. An algorithm developed to predict the effect of missense changes on protein structure and function (PolyPhen-2) suggests that this variant is likely to be tolerated. In summary, the available evidence is currently insufficient to determine the role of this variant in disease. Therefore, it has been classified as a Variant of Uncertain Significance.